The following is an entry in ClinVar:

NM_004408.4(DNM1):c.929A>G (p.Glu310Gly)

Gene: DNM1 (dynamin 1; plus strand). Cytogenetic location: 9q34.11.
Variant type: single nucleotide variant.
Coding change: c.929A>G on transcript NM_004408.4 (MANE Select); coding-DNA position 929, A replaced by G.
Protein change: p.Glu310Gly; replaces glutamic acid 310 with glycine.
Molecular consequence: missense variant.
Genome position (GRCh38, 1-based): chr9:128,222,276, A>G. VCF-style: chr9-128222276-A-G. GRCh37 (hg19) VCF-style: chr9-130984555-A-G.
Other names: c.929A>G (NM_004408.3); c.929A>G, p.Glu310Gly (NM_001005336.3, NM_001288737.2, NM_001288738.2 and 2 more transcripts); short protein forms E310G.
Identifiers: ClinVar variation 1039504 (VCV001039504.8), dbSNP rs1835069996, ClinGen allele CA375015198.

ClinVar aggregate classification (germline): Uncertain significance. Review status: criteria provided, multiple submitters, no conflicts (2 of 4 stars). 2 submissions from 2 submitters: Uncertain significance (2). Last evaluated 2023-09-18.

Conditions:
Developmental and epileptic encephalopathy, 31A. Also called: Epileptic encephalopathy, early infantile, 31; Developmental and epileptic encephalopathy, 31. Identifiers: Orphanet 2382, MedGen C4225357, MONDO:0014598, OMIM 616346.

Submissions (2):

Labcorp Genetics (formerly Invitae), Labcorp
Classification: Uncertain significance for Developmental and epileptic encephalopathy, 31A. Last evaluated: 2023-09-18. Review status: criteria provided, single submitter. Criteria: Invitae Variant Classification Sherloc (09022015). Collection method: clinical testing. Allele origin: germline.
Comment: In summary, the available evidence is currently insufficient to determine the role of this variant in disease. Therefore, it has been classified as a Variant of Uncertain Significance. Advanced modeling of protein sequence and biophysical properties (such as structural, functional, and spatial information, amino acid conservation, physicochemical variation, residue mobility, and thermodynamic stability) performed at Invitae indicates that this missense variant is expected to disrupt DNM1 protein function. ClinVar contains an entry for this variant (Variation ID: 1039504). This variant has not been reported in the literature in individuals affected with DNM1-related conditions. This variant is not present in population databases (gnomAD no frequency). This sequence change replaces glutamic acid, which is acidic and polar, with glycine, which is neutral and non-polar, at codon 310 of the DNM1 protein (p.Glu310Gly).

GeneDx
Classification: Uncertain significance. Last evaluated: 2022-08-09. Review status: criteria provided, single submitter. Criteria: GeneDx Variant Classification Process June 2021. Collection method: clinical testing. Allele origin: germline. Affected: yes.
Comment: Not observed at significant frequency in large population cohorts (gnomAD); In silico analysis supports that this missense variant has a deleterious effect on protein structure/function; Has not been previously published as pathogenic or benign to our knowledge